The following is an entry in ClinVar:

ClinVar aggregate classification (germline): Benign. Review status: criteria provided, multiple submitters, no conflicts (2 of 4 stars). 12 submissions from 12 submitters: Benign (9). 3 of the submissions do not count toward it. Last evaluated 2026-02-04.

Conditions:
Inborn genetic diseases. Identifiers: MedGen C0950123, MeSH D030342.
Smith-Magenis syndrome (SMS). Also called: CHROMOSOME 17p11.2 DELETION SYNDROME. Identifiers: Orphanet 819, MedGen C0795864, MONDO:0008434, OMIM 182290.

Allele frequency attached by ClinVar (database versions not stated): 1000 Genomes Project 0.24062; 1000 Genomes Project 30x 0.24469; TOPMed 0.39879; gnomAD 0.41550 and 0.42485; ExAC 0.42141; gnomAD exomes 0.42314 and 0.52509; ESP Exome Variant Server 0.43580.
gnomAD v4.1: 827,954 of 1,612,858 alleles (51%); highest among the groups gnomAD compares: Non-Finnish European, 58%; 229,777 homozygotes.

Submissions (12):

Labcorp Genetics (formerly Invitae), Labcorp
Classification: Benign. Last evaluated: 2026-02-04. Review status: criteria provided, single submitter. Criteria: Invitae Variant Classification Sherloc (09022015). Collection method: clinical testing. Allele origin: germline.

Mayo Clinic Laboratories, Mayo Clinic
Classification: Benign. Last evaluated: 2022-11-10. Review status: criteria provided, single submitter. Criteria: ACMG Guidelines, 2015. Collection method: clinical testing. Allele origin: germline. Observed: 41 variant alleles.

Genome-Nilou Lab
Classification: Benign for Smith-Magenis syndrome. Last evaluated: 2021-11-07. Review status: criteria provided, single submitter. Criteria: ACMG Guidelines, 2015. Collection method: clinical testing. Allele origin: germline. Affected: no.

GeneDx
Classification: Benign. Last evaluated: 2018-07-31. Review status: criteria provided, single submitter. Criteria: GeneDx Variant Classification Process June 2021. Collection method: clinical testing. Allele origin: germline. Affected: yes.

Athena Diagnostics
Classification: Benign for Smith-Magenis syndrome. Last evaluated: 2017-05-03. Review status: criteria provided, single submitter. Criteria: Athena Diagnostics Criteria. Collection method: clinical testing. Allele origin: germline.

Ambry Genetics
Classification: Benign for Inborn genetic diseases. Last evaluated: 2016-03-11. Review status: criteria provided, single submitter. Criteria: Ambry Variant Classification Scheme 2023. Collection method: clinical testing. Allele origin: germline.

Eurofins Ntd Llc (ga)
Classification: Benign. Last evaluated: 2014-12-22. Review status: criteria provided, single submitter. Criteria: EGL Classification Definitions 2015. Collection method: clinical testing. Allele origin: germline. Observed: 35 variant alleles, 25 heterozygotes, 10 homozygotes.

Breakthrough Genomics
Classification: Benign. Review status: criteria provided, single submitter. Criteria: ACMG Guidelines, 2015. Collection method: not provided. Allele origin: germline. Inheritance: Autosomal dominant inheritance. Affected: yes.

PreventionGenetics, part of Exact Sciences
Classification: Benign. Review status: criteria provided, single submitter. Criteria: ACMG Guidelines, 2015. Collection method: clinical testing. Allele origin: germline.

Diagnostic Laboratory, Department of Genetics, University Medical Center Groningen
Classification: Benign. Review status: no assertion criteria provided. Collection method: clinical testing. Allele origin: germline. Affected: yes. Study: VKGL Data-share Consensus. Not counted in ClinVar's aggregate classification.

Genetic Services Laboratory, University of Chicago
Classification: Likely benign for AllHighlyPenetrant. Review status: no assertion criteria provided. Collection method: clinical testing. Allele origin: germline. Inheritance: Autosomal dominant inheritance. Not counted in ClinVar's aggregate classification.
Comment: Likely benign based on allele frequency in 1000 Genomes Project or ESP global frequency and its presence in a patient with a rare or unrelated disease phenotype. NOT Sanger confirmed.

Joint Genome Diagnostic Labs from Nijmegen and Maastricht, Radboudumc and MUMC+
Classification: Benign. Review status: no assertion criteria provided. Collection method: clinical testing. Allele origin: germline. Affected: yes. Study: VKGL Data-share Consensus. Not counted in ClinVar's aggregate classification.

NM_030665.4(RAI1):c.5601T>C (p.Ile1867=)

Gene: RAI1 (retinoic acid induced 1; plus strand). Cytogenetic location: 17p11.2.
Variant type: single nucleotide variant.
Coding change: c.5601T>C on transcript NM_030665.4 (MANE Select); coding-DNA position 5601, T replaced by C.
Protein change: p.Ile1867=; no amino-acid change (isoleucine 1867 retained).
Molecular consequence: synonymous variant.
Genome position (GRCh38, 1-based): chr17:17,803,791, T>C. VCF-style: chr17-17803791-T-C. GRCh37 (hg19) VCF-style: chr17-17707105-T-C.
Other names: p.Ile1867=.
Identifiers: ClinVar variation 96195 (VCV000096195.32), dbSNP rs3818717, ClinGen allele CA149345.